The following is an entry in ClinVar:

ClinVar aggregate classification (germline): Benign. Review status: criteria provided, single submitter (1 of 4 stars). 2 submissions from 2 submitters: Benign (1). 1 of the submissions does not count toward it. Last evaluated 2018-12-11.

Conditions:
PLXNA3-related disorder. Also called: PLXNA3-related condition.

Allele frequency attached by ClinVar (database versions not stated): gnomAD exomes 0.00014 and 0.00036; ExAC 0.00053; ESP Exome Variant Server 0.00123; gnomAD 0.00124 and 0.00129; TOPMed 0.00135; 1000 Genomes Project 0.00185; 1000 Genomes Project 30x 0.00208.
gnomAD v4.1: 297 of 1,208,565 alleles (0.025%); highest among the groups gnomAD compares: African/African-American, 0.47%; 1 homozygote.

Submissions (2):

Labcorp Genetics (formerly Invitae), Labcorp
Classification: Benign. Last evaluated: 2018-12-11. Review status: criteria provided, single submitter. Criteria: Invitae Variant Classification Sherloc (09022015). Collection method: clinical testing. Allele origin: germline.

PreventionGenetics, part of Exact Sciences
Classification: Likely benign for PLXNA3-related condition. Last evaluated: 2021-09-01. Review status: no assertion criteria provided. Collection method: clinical testing. Allele origin: germline. Not counted in ClinVar's aggregate classification.
Comment: This variant is classified as likely benign based on ACMG/AMP sequence variant interpretation guidelines (Richards et al. 2015 PMID: 25741868, with internal and published modifications).

NM_017514.5(PLXNA3):c.320G>A (p.Arg107His)

Gene: PLXNA3 (plexin A3; plus strand). Cytogenetic location: Xq28.
Variant type: single nucleotide variant.
Coding change: c.320G>A on transcript NM_017514.5 (MANE Select); coding-DNA position 320, G replaced by A.
Protein change: p.Arg107His; replaces arginine 107 with histidine.
Molecular consequence: missense variant.
Genome position (GRCh38, 1-based): chrX:154,460,503, G>A. VCF-style: chrX-154460503-G-A. GRCh37 (hg19) VCF-style: chrX-153688843-G-A.
Other names: short protein forms R107H.
Identifiers: ClinVar variation 727176 (VCV000727176.5), dbSNP rs139705497, ClinGen allele CA10563662.